The following is an entry in ClinVar:

NM_152618.3(BBS12):c.191G>A (p.Ser64Asn)

Gene: BBS12 (Bardet-Biedl syndrome 12; plus strand). Cytogenetic location: 4q27.
Variant type: single nucleotide variant.
Coding change: c.191G>A on transcript NM_152618.3 (MANE Select); coding-DNA position 191, G replaced by A.
Protein change: p.Ser64Asn; replaces serine 64 with asparagine.
Molecular consequence: missense variant.
Genome position (GRCh38, 1-based): chr4:122,742,083, G>A. VCF-style: chr4-122742083-G-A. GRCh37 (hg19) VCF-style: chr4-123663238-G-A.
Other names: c.191G>A, p.Ser64Asn (NM_001178007.2); c.191G>A (NM_152618.2); short protein forms S64N.
Identifiers: ClinVar variation 1056243 (VCV001056243.4), dbSNP rs1361081580, ClinGen allele CA358222389.

ClinVar aggregate classification (germline): Uncertain significance. Review status: criteria provided, single submitter (1 of 4 stars). 3 submissions from 3 submitters: Uncertain significance (1). 2 of the submissions do not count toward it. Last evaluated 2021-09-02.

Conditions:
BBS12-related disorder. Also called: BBS12-related condition.
Bardet-Biedl syndrome (BBS). Identifiers: Orphanet 110, MedGen C0752166, MONDO:0015229.
Bardet-Biedl syndrome 12 (BBS12). Identifiers: Orphanet 110, MedGen C1859570, MONDO:0014440, OMIM 615989.

Allele frequency attached by ClinVar (database versions not stated): gnomAD 0.00001; TOPMed 0.00001.

Submissions (3):

Labcorp Genetics (formerly Invitae), Labcorp
Classification: Uncertain significance for Bardet-Biedl syndrome. Last evaluated: 2021-09-02. Review status: criteria provided, single submitter. Criteria: Invitae Variant Classification Sherloc (09022015). Collection method: clinical testing. Allele origin: germline.
Comment: This sequence change replaces serine with asparagine at codon 64 of the BBS12 protein (p.Ser64Asn). The serine residue is moderately conserved and there is a small physicochemical difference between serine and asparagine. This variant is not present in population databases (ExAC no frequency). This variant has not been reported in the literature in individuals affected with BBS12-related conditions. Algorithms developed to predict the effect of missense changes on protein structure and function (SIFT, PolyPhen-2, Align-GVGD) all suggest that this variant is likely to be tolerated. In summary, the available evidence is currently insufficient to determine the role of this variant in disease. Therefore, it has been classified as a Variant of Uncertain Significance.

PreventionGenetics, part of Exact Sciences
Classification: Uncertain significance for BBS12-related condition. Last evaluated: 2024-04-11. Review status: no assertion criteria provided. Collection method: clinical testing. Allele origin: germline. Not counted in ClinVar's aggregate classification.
Comment: The BBS12 c.191G>A variant is predicted to result in the amino acid substitution p.Ser64Asn. To our knowledge, this variant has not been reported in the literature or in gnomAD, indicating this variant is rare. At this time, the clinical significance of this variant is uncertain due to the absence of conclusive functional and genetic evidence.

Natera, Inc.
Classification: Uncertain significance for Bardet-Biedl syndrome type 12. Last evaluated: 2020-03-17. Review status: no assertion criteria provided. Collection method: clinical testing. Allele origin: germline. Not counted in ClinVar's aggregate classification.